The following is an entry in ClinVar:

NM_016034.5(MRPS2):c.400C>T (p.His134Tyr)

Genes: MRPS2 (mitochondrial ribosomal protein S2; plus strand), LOC101928525 (uncharacterized LOC101928525; minus strand). Cytogenetic location: 9q34.3.
Variant type: single nucleotide variant.
Coding change: c.400C>T on transcript NM_016034.5 (MANE Select); coding-DNA position 400, C replaced by T.
Protein change: p.His134Tyr; replaces histidine 134 with tyrosine.
Molecular consequence: missense variant. On other transcripts: non-coding transcript variant (5).
Genome position (GRCh38, 1-based): chr9:135,503,642, C>T. VCF-style: chr9-135503642-C-T. GRCh37 (hg19) VCF-style: chr9-138395488-C-T.
Other names: c.400C>T, p.His134Tyr (NM_001371401.1); short protein forms H134Y.
Identifiers: ClinVar variation 1029572 (VCV001029572.4), dbSNP rs995894816, ClinGen allele CA201170182.

ClinVar aggregate classification (germline): Uncertain significance. Review status: criteria provided, multiple submitters, no conflicts (2 of 4 stars). 2 submissions from 2 submitters: Uncertain significance (2). Last evaluated 2021-02-26.

Conditions:
Combined oxidative phosphorylation deficiency 36 (COXPD36). Identifiers: MedGen C4693722, MONDO:0054781, OMIM 617950.

Allele frequency attached by ClinVar (database versions not stated): gnomAD exomes below 0.00001.

Submissions (2):

Revvity Omics, Revvity
Classification: Uncertain significance for Combined oxidative phosphorylation deficiency 36. Last evaluated: 2021-02-26. Review status: criteria provided, single submitter. Criteria: ACMG Guidelines, 2015. Collection method: clinical testing. Allele origin: germline.

Baylor Genetics
Classification: Uncertain significance for Combined oxidative phosphorylation deficiency 36. Last evaluated: 2020-06-10. Review status: criteria provided, single submitter. Criteria: ACMG Guidelines, 2015. Collection method: clinical testing. Allele origin: unknown. Affected: yes.
Comment: This variant was determined to be of uncertain significance according to ACMG Guidelines, 2015 [PMID:25741868].